The following is an entry in ClinVar:

NM_001104631.2(PDE4D):c.*2747G>A

Gene: PDE4D (phosphodiesterase 4D; minus strand). Cytogenetic location: 5q11.2.
Variant type: single nucleotide variant.
Coding change: c.*2747G>A on transcript NM_001104631.2 (MANE Select); 2747 bases downstream of the stop codon, G replaced by A.
Molecular consequence: 3 prime UTR variant.
Genome position (GRCh38, 1-based): chr5:58,971,917, C>T on the plus strand (G>A on the coding strand, the complement: PDE4D is on the minus strand). VCF-style: chr5-58971917-C-T. GRCh37 (hg19) VCF-style: chr5-58267744-C-T.
Other names: c.*2747G>A (NM_001165899.2, NM_001197218.2, NM_001197219.2 and 11 more transcripts).
Identifiers: ClinVar variation 353938 (VCV000353938.29), dbSNP rs557226166, ClinGen allele CA10620614.

ClinVar aggregate classification (germline): Conflicting classifications of pathogenicity. Review status: criteria provided, conflicting classifications (1 of 4 stars). 2 submissions from 2 submitters: Uncertain significance (1); Benign (1). Last evaluated 2022-05-01.

Conditions:
Acrodysostosis 2 with or without hormone resistance. Also called: ACRODYSOSTOSIS 2 WITH HORMONE RESISTANCE; ACRODYSOSTOSIS 2 WITHOUT HORMONE RESISTANCE. Identifiers: Orphanet 280651, MedGen C3553250, MONDO:0013822, OMIM 614613.

Allele frequency attached by ClinVar (database versions not stated): 1000 Genomes Project 30x 0.00031; TOPMed 0.00134; gnomAD 0.00150 and 0.00156.

Submissions (2):

CeGaT Center for Human Genetics Tuebingen
Classification: Benign. Last evaluated: 2022-05-01. Review status: criteria provided, single submitter. Criteria: CeGaT Center For Human Genetics Tuebingen Variant Classification Criteria Version 2. Collection method: clinical testing. Allele origin: germline. Affected: yes. Observed: 1 variant allele.
Comment: PDE4D: BS1, BS2

Illumina Laboratory Services, Illumina
Classification: Uncertain significance for Acrodysostosis 2 with or without hormone resistance. Last evaluated: 2018-01-12. Review status: criteria provided, single submitter. Criteria: ICSL Variant Classification Criteria 13 December 2019. Collection method: clinical testing. Allele origin: germline.